The following is an entry in ClinVar:

ClinVar aggregate classification (germline): Uncertain significance (1 of 4 stars; one submission).

gnomAD v4.1: 8 of 1,156,465 alleles (0.00069%); highest among the groups gnomAD compares: Non-Finnish European, 0.00093%; no homozygotes.

Submission:

CeGaT Center for Human Genetics Tuebingen
Classification: Uncertain significance. Last evaluated: 2024-02-01. Review status: criteria provided, single submitter. Criteria: CeGaT Center For Human Genetics Tuebingen Variant Classification Criteria Version 2. Collection method: clinical testing. Allele origin: germline. Affected: yes. Observed: 1 variant allele.
Comment: TBC1D8B: PM2, BP4

NM_017752.3(TBC1D8B):c.2665A>G (p.Ile889Val)

Gene: TBC1D8B (TBC1 domain family member 8B; plus strand). Cytogenetic location: Xq22.3.
Variant type: single nucleotide variant.
Coding change: c.2665A>G on transcript NM_017752.3 (MANE Select); coding-DNA position 2665, A replaced by G.
Protein change: p.Ile889Val; replaces isoleucine 889 with valine.
Molecular consequence: missense variant.
Genome position (GRCh38, 1-based): chrX:106,866,799, A>G. VCF-style: chrX-106866799-A-G. GRCh37 (hg19) VCF-style: chrX-106110029-A-G.
Other names: short protein forms I889V.
Identifiers: ClinVar variation 3027130 (VCV003027130.22), dbSNP rs138093907, ClinGen allele CA10483402.
Genomic context (GRCh38, chrX:106,866,799, plus strand): 5'-AAATTGATTGAATGTTCTTTAGATACATGATTATTTACAATTGAATTTTATTGAACAGAC[A>G]TAATGTACAATGGAAGTTTTACTGAGAAGCTTAAGCTGCTTTTTAAGCTACATATTCCTC-3'
Protein context (NP_060222.2, residues 879-899): NFKEFSSAID[Ile889Val]MYNGSFTEKL